The following is an entry in ClinVar:

ClinVar aggregate classification (germline): Likely benign (0 of 4 stars; one submission).

Conditions:
ARF1-related disorder. Also called: ARF1-related condition.

gnomAD v4.1: 22 of 1,613,942 alleles (0.0014%); highest among the groups gnomAD compares: South Asian, 0.022%; no homozygotes.

Submission:

PreventionGenetics, part of Exact Sciences
Classification: Likely benign for ARF1-related condition. Last evaluated: 2024-08-14. Review status: no assertion criteria provided. Collection method: clinical testing. Allele origin: germline.
Comment: This variant is classified as likely benign based on ACMG/AMP sequence variant interpretation guidelines (Richards et al. 2015 PMID: 25741868, with internal and published modifications).

NM_001658.4(ARF1):c.444A>G (p.Leu148=)

Genes: ARF1 (ARF GTPase 1; plus strand), LOC126806039 (CDK7 strongly-dependent group 2 enhancer GRCh37_chr1:228284937-228286136; plus strand). Cytogenetic location: 1q42.13.
Variant type: single nucleotide variant.
Coding change: c.444A>G on transcript NM_001658.4 (MANE Select); coding-DNA position 444, A replaced by G.
Protein change: p.Leu148=; no amino-acid change (leucine 148 retained).
Molecular consequence: synonymous variant.
Genome position (GRCh38, 1-based): chr1:228,097,911, A>G. VCF-style: chr1-228097911-A-G. GRCh37 (hg19) VCF-style: chr1-228285612-A-G.
Other names: c.444A>G, p.Leu148= (NM_001024226.2, NM_001024227.1, NM_001024228.2).
Identifiers: ClinVar variation 3357449 (VCV003357449.1).